The following is an entry in ClinVar:

NM_174934.4(SCN4B):c.568A>C (p.Ile190Leu)

Gene: SCN4B (sodium voltage-gated channel beta subunit 4; minus strand). Cytogenetic location: 11q23.3.
Variant type: single nucleotide variant.
Coding change: c.568A>C on transcript NM_174934.4 (MANE Select); coding-DNA position 568, A replaced by C.
Protein change: p.Ile190Leu; replaces isoleucine 190 with leucine.
Molecular consequence: missense variant. On other transcripts: non-coding transcript variant (1).
Genome position (GRCh38, 1-based): chr11:118,141,232, T>G on the plus strand (A>C on the coding strand, the complement: SCN4B is on the minus strand). VCF-style: chr11-118141232-T-G. GRCh37 (hg19) VCF-style: chr11-118011947-T-G.
Other names: c.166A>C, p.Ile56Leu (NM_001142348.2); c.238A>C, p.Ile80Leu (NM_001142349.2); short protein forms I190L, I56L, I80L.
Identifiers: ClinVar variation 537384 (VCV000537384.8), dbSNP rs757147726, ClinGen allele CA6300166.
Genomic context (GRCh38, chr11:118,141,232, plus strand): 5'-CTGGGAGGACAGGAGTGTGCTCCAGATCAACTCACTTCTTCTCCCGAGTCTTCTTCAGGA[T>G]GAAGATGATGAGTTTCTTGATCAGCAGGATGAGGATGAGGAGCCCGATGACCCCGCCCAC-3'
Protein context (NP_777594.1, residues 180-200): ILLIKKLIIF[Ile190Leu]LKKTREKKKE

ClinVar aggregate classification (germline): Uncertain significance (1 of 4 stars; one submission).

Conditions:
Long QT syndrome 10 (LQT10). Identifiers: Orphanet 101016, Orphanet 768, MedGen C2678484, MONDO:0012737, OMIM 611819.

Allele frequency attached by ClinVar (database versions not stated): ExAC 0.00001; gnomAD exomes 0.00001 and 0.00002.
gnomAD v4.1: 6 of 1,612,868 alleles (0.00037%); highest among the groups gnomAD compares: Admixed American, 0.01%; no homozygotes.

Submission:

Labcorp Genetics (formerly Invitae), Labcorp
Classification: Uncertain significance for Long QT syndrome 10. Last evaluated: 2017-09-21. Review status: criteria provided, single submitter. Criteria: Invitae Variant Classification Sherloc (09022015). Collection method: clinical testing. Allele origin: germline.
Comment: This variant is present in population databases (rs757147726, ExAC 0.009%). This sequence change replaces isoleucine with leucine at codon 190 of the SCN4B protein (p.Ile190Leu). The isoleucine residue is highly conserved and there is a small physicochemical difference between isoleucine and leucine. This variant has not been reported in the literature in individuals with SCN4B-related disease. In summary, the available evidence is currently insufficient to determine the role of this variant in disease. Therefore, it has been classified as a Variant of Uncertain Significance. Algorithms developed to predict the effect of missense changes on protein structure and function (SIFT, PolyPhen-2, Align-GVGD) all suggest that this variant is likely to be tolerated, but these predictions have not been confirmed by published functional studies and their clinical significance is uncertain.